The following is an entry in ClinVar:

ClinVar aggregate classification (germline): Uncertain significance (1 of 4 stars; one submission).

Submission:

GeneDx
Classification: Uncertain significance. Last evaluated: 2019-09-19. Review status: criteria provided, single submitter. Criteria: GeneDx Variant Classification Process June 2021. Collection method: clinical testing. Allele origin: germline. Affected: yes.
Comment: Not observed in large population cohorts (Lek et al., 2016); Nonsense variant predicted to result in protein truncation or nonsense mediated decay in a gene for which loss-of-function is not a known mechanism of disease; Has not been previously published as pathogenic or benign to our knowledge

NM_001205293.3(CACNA1E):c.2076C>A (p.Tyr692Ter)

Gene: CACNA1E (calcium voltage-gated channel subunit alpha1 E; plus strand). Cytogenetic location: 1q25.3.
Variant type: single nucleotide variant.
Coding change: c.2076C>A on transcript NM_001205293.3 (MANE Select); coding-DNA position 2076, C replaced by A.
Protein change: p.Tyr692Ter; replaces tyrosine 692 with a stop codon.
Molecular consequence: nonsense.
Genome position (GRCh38, 1-based): chr1:181,724,471, C>A. VCF-style: chr1-181724471-C-A. GRCh37 (hg19) VCF-style: chr1-181693607-C-A.
Other names: c.2076C>A, p.Tyr692Ter (NM_000721.4, NM_001205294.2); short protein forms Y692*.
Identifiers: ClinVar variation 1312467 (VCV001312467.2), dbSNP rs2102499630, ClinGen allele CA343628345.